The following is an entry in ClinVar:

ClinVar aggregate classification (germline): Conflicting classifications of pathogenicity. Review status: criteria provided, conflicting classifications (1 of 4 stars). 2 submissions from 2 submitters: Likely pathogenic (1); Uncertain significance (1). Last evaluated 2022-05-25.

Conditions:
CDK13-related disorder. Also called: CDK13-related condition. Identifiers: MedGen C5816700.
Congenital heart defects, dysmorphic facial features, and intellectual developmental disorder (CHDFIDD). Identifiers: Orphanet 646278, MedGen C4479246, MONDO:0044302, OMIM 617360.

Submissions (2):

MGZ Medical Genetics Center
Classification: Uncertain significance for Congenital heart defects, dysmorphic facial features, and intellectual developmental disorder. Last evaluated: 2022-05-25. Review status: criteria provided, single submitter. Criteria: ACMG Guidelines, 2015. Collection method: clinical testing. Allele origin: germline. Affected: yes. Observed: 1 variant allele.
Comment: ACMG criteria applied: PM5, PM2_SUP, PP3

Blueprint Genetics
Classification: Likely pathogenic for CDK13-related disorders. Last evaluated: 2021-02-16. Review status: criteria provided, single submitter. Criteria: ACMG Guidelines, 2015. Collection method: clinical testing. Allele origin: germline. Affected: yes. Observed: 1 variant allele.

NM_003718.5(CDK13):c.2525A>T (p.Asn842Ile)

Gene: CDK13 (cyclin dependent kinase 13; plus strand). Cytogenetic location: 7p14.1.
Variant type: single nucleotide variant.
Coding change: c.2525A>T on transcript NM_003718.5 (MANE Select); coding-DNA position 2525, A replaced by T.
Protein change: p.Asn842Ile; replaces asparagine 842 with isoleucine.
Molecular consequence: missense variant.
Genome position (GRCh38, 1-based): chr7:40,046,007, A>T. VCF-style: chr7-40046007-A-T. GRCh37 (hg19) VCF-style: chr7-40085606-A-T.
Other names: c.2525A>T, p.Asn842Ile (NM_031267.4); short protein forms N842I.
Identifiers: ClinVar variation 1709483 (VCV001709483.3), dbSNP rs878853160, ClinGen allele CA367280387.
Genomic context (GRCh38, chr7:40,046,007, plus strand): 5'-TGGAGGGTCTGGATTATTGTCATAAGAAGAACTTTTTGCATAGAGATATTAAATGTTCCA[A>T]TATCCTTCTAAATAATAGGTATGGGTATGAACTTTATATATATTTAAAATGAGTTTTACC-3'
Protein context (NP_003709.3, residues 832-852): NFLHRDIKCS[Asn842Ile]ILLNNRGQIK